The following is an entry in ClinVar:

ClinVar aggregate classification (germline): Pathogenic (1 of 4 stars; one submission).

Submission:

Labcorp Genetics (formerly Invitae), Labcorp
Classification: Pathogenic. Last evaluated: 2022-05-27. Review status: criteria provided, single submitter. Criteria: Invitae Variant Classification Sherloc (09022015). Collection method: clinical testing. Allele origin: germline.
Comment: This sequence change creates a premature translational stop signal (p.Arg447Serfs*69) in the SLC6A19 gene. It is expected to result in an absent or disrupted protein product. Loss-of-function variants in SLC6A19 are known to be pathogenic (PMID: 15286787, 15286788). This variant is not present in population databases (gnomAD no frequency). This variant has not been reported in the literature in individuals affected with SLC6A19-related conditions. For these reasons, this variant has been classified as Pathogenic.

Literature cited by the submitters: PubMed 15286787; PubMed 15286788.

NM_001003841.3(SLC6A19):c.1341_1342del (p.Arg447fs)

Gene: SLC6A19 (solute carrier family 6 member 19; plus strand). Cytogenetic location: 5p15.33.
Variant type: Microsatellite.
Coding change: c.1341_1342del on transcript NM_001003841.3 (MANE Select); coding-DNA positions 1341 to 1342, 2 bases deleted (AG; older notation c.1341_1342delAG).
Protein change: p.Arg447fs; shifts the reading frame from arginine 447.
Molecular consequence: frameshift variant.
Genome position (GRCh38, 1-based): chr5:1,219,070-1,219,071, AG deleted; deleting any 2 consecutive bases within chr5:1,219,068-1,219,071 gives the same sequence; the c. name uses the placement nearest the transcript's 3' end. VCF-style (leftmost placement, unchanged base first): chr5-1219067-CAG-C. GRCh37 (hg19) VCF-style: chr5-1219182-CAG-C.
Other names: short protein forms R447fs.
Identifiers: ClinVar variation 2077836 (VCV002077836.4), dbSNP rs2477956792, ClinGen allele CA2580613506.